The following is an entry in ClinVar:

NM_002473.6(MYH9):c.5124C>T (p.Asp1708=)

Gene: MYH9 (myosin heavy chain 9; minus strand). Cytogenetic location: 22q12.3.
Variant type: single nucleotide variant.
Coding change: c.5124C>T on transcript NM_002473.6 (MANE Select); coding-DNA position 5124, C replaced by T.
Protein change: p.Asp1708=; no amino-acid change (aspartic acid 1708 retained).
Molecular consequence: synonymous variant.
Genome position (GRCh38, 1-based): chr22:36,285,891, G>A on the plus strand (C>T on the coding strand, the complement: MYH9 is on the minus strand). VCF-style: chr22-36285891-G-A. GRCh37 (hg19) VCF-style: chr22-36681937-G-A.
Identifiers: ClinVar variation 2062986 (VCV002062986.8), dbSNP rs369135992, ClinGen allele CA10209167.

ClinVar aggregate classification (germline): Benign/Likely benign. Review status: criteria provided, multiple submitters, no conflicts (2 of 4 stars). 4 submissions from 4 submitters: Benign (1); Likely benign (2). 1 of the submissions does not count toward it. Last evaluated 2026-06-01.

Conditions:
MYH9-related disorder. Identifiers: MedGen C1854520.

Allele frequency attached by ClinVar (database versions not stated): gnomAD 0.00003; TOPMed 0.00006; gnomAD exomes 0.00007; ExAC 0.00008; ESP Exome Variant Server 0.00008.
gnomAD v4.1: 110 of 1,613,092 alleles (0.0068%); highest among the groups gnomAD compares: East Asian, 0.029%; 1 homozygote.

Submissions (4):

CeGaT Center for Human Genetics Tuebingen
Classification: Likely benign. Last evaluated: 2026-06-01. Review status: criteria provided, single submitter. Criteria: CeGaT Center For Human Genetics Tuebingen Variant Classification Criteria Version 2. Collection method: clinical testing. Allele origin: germline. Affected: yes. Observed: 1 variant allele.
Comment: MYH9: BP4, BP7

Labcorp Genetics (formerly Invitae), Labcorp
Classification: Benign. Last evaluated: 2026-01-06. Review status: criteria provided, single submitter. Criteria: Invitae Variant Classification Sherloc (09022015). Collection method: clinical testing. Allele origin: germline.

Blueprint Genetics
Classification: Likely benign. Last evaluated: 2024-11-23. Review status: criteria provided, single submitter. Criteria: ACMG Guidelines, 2015. Collection method: clinical testing. Allele origin: germline.

PreventionGenetics, part of Exact Sciences
Classification: Likely benign for MYH9-related condition. Last evaluated: 2021-06-23. Review status: no assertion criteria provided. Collection method: clinical testing. Allele origin: germline. Not counted in ClinVar's aggregate classification.
Comment: This variant is classified as likely benign based on ACMG/AMP sequence variant interpretation guidelines (Richards et al. 2015 PMID: 25741868, with internal and published modifications).